The following is an entry in ClinVar:

ClinVar aggregate classification (germline): Uncertain significance. Review status: criteria provided, multiple submitters, no conflicts (2 of 4 stars). 2 submissions from 2 submitters: Uncertain significance (2). Last evaluated 2025-06-26.

Allele frequency attached by ClinVar (database versions not stated): TOPMed below 0.00001.

Submissions (2):

Greenwood Genetic Center Diagnostic Laboratories, Greenwood Genetic Center
Classification: Uncertain significance. Last evaluated: 2025-06-26. Review status: criteria provided, single submitter. Criteria: ACMG Guidelines, 2015. Collection method: clinical testing. Allele origin: germline. Affected: yes.
Comment: PM2, PP2

Labcorp Genetics (formerly Invitae), Labcorp
Classification: Uncertain significance. Last evaluated: 2022-02-25. Review status: criteria provided, single submitter. Criteria: Invitae Variant Classification Sherloc (09022015). Collection method: clinical testing. Allele origin: germline.
Comment: This variant has not been reported in the literature in individuals affected with HK1-related conditions. This sequence change replaces glutamine, which is neutral and polar, with arginine, which is basic and polar, at codon 469 of the HK1 protein (p.Gln469Arg). This variant is not present in population databases (gnomAD no frequency). Algorithms developed to predict the effect of missense changes on protein structure and function (SIFT, PolyPhen-2, Align-GVGD) all suggest that this variant is likely to be tolerated. In summary, the available evidence is currently insufficient to determine the role of this variant in disease. Therefore, it has been classified as a Variant of Uncertain Significance.

NM_000188.3(HK1):c.1406A>G (p.Gln469Arg)

Gene: HK1 (hexokinase 1; plus strand). Cytogenetic location: 10q22.1.
Variant type: single nucleotide variant.
Coding change: c.1406A>G on transcript NM_000188.3 (MANE Select); coding-DNA position 1406, A replaced by G.
Protein change: p.Gln469Arg; replaces glutamine 469 with arginine.
Molecular consequence: missense variant.
Genome position (GRCh38, 1-based): chr10:69,382,627, A>G. VCF-style: chr10-69382627-A-G. GRCh37 (hg19) VCF-style: chr10-71142383-A-G.
Other names: c.1418A>G, p.Gln473Arg (NM_001322364.2, NM_001358263.1, NM_033497.3 and 1 more transcripts); c.1511A>G, p.Gln504Arg (NM_001322365.2); c.1322A>G, p.Gln441Arg (NM_001322366.1); c.1310A>G, p.Gln437Arg (NM_001322367.1); c.1403A>G, p.Gln468Arg (NM_033496.3); c.1370A>G, p.Gln457Arg (NM_033500.2); short protein forms Q473R, Q437R, Q469R, Q468R, Q441R, Q457R, Q504R.
Identifiers: ClinVar variation 1394543 (VCV001394543.7), dbSNP rs1839447497, ClinGen allele CA376909794.
Genomic context (GRCh38, chr10:69,382,627, plus strand): 5'-GCGGCAAGGGGGCTGCCATGGTGACGGCGGTGGCCTACCGCTTGGCCGAGCAGCACCGGC[A>G]GATAGAGGAGACCCTGGCTCATTTCCACCTCACCAAGGACATGCTGCTGGAGGTGAAGAA-3'
Protein context (NP_000179.2, residues 459-479): VAYRLAEQHR[Gln469Arg]IEETLAHFHL